The following is an entry in ClinVar:

ClinVar aggregate classification (germline): Likely benign. Review status: criteria provided, multiple submitters, no conflicts (2 of 4 stars). 3 submissions from 3 submitters: Likely benign (3). Last evaluated 2025-05-03.

Conditions:
XPC-related disorder. Also called: XPC-related condition.

Allele frequency attached by ClinVar (database versions not stated): gnomAD exomes 0.00001 and 0.00002; ExAC 0.00002; ESP Exome Variant Server 0.00008; TOPMed 0.00018; gnomAD 0.00009 and 0.00010.
gnomAD v4.1: 28 of 1,613,910 alleles (0.0017%); highest among the groups gnomAD compares: African/African-American, 0.037%; no homozygotes.

Submissions (3):

PreventionGenetics, part of Exact Sciences
Classification: Likely benign for XPC-related condition. Last evaluated: 2025-05-03. Review status: criteria provided, single submitter. Criteria: ACMG Guidelines, 2015. Collection method: clinical testing. Allele origin: germline.
Comment: This variant is classified as likely benign based on ACMG/AMP sequence variant interpretation guidelines (Richards et al. 2015 PMID: 25741868, with internal and published modifications).

Blueprint Genetics
Classification: Likely benign. Last evaluated: 2024-08-28. Review status: criteria provided, single submitter. Criteria: ACMG Guidelines, 2015. Collection method: clinical testing. Allele origin: germline.

Labcorp Genetics (formerly Invitae), Labcorp
Classification: Likely benign. Last evaluated: 2023-12-05. Review status: criteria provided, single submitter. Criteria: Invitae Variant Classification Sherloc (09022015). Collection method: clinical testing. Allele origin: germline.

NM_004628.5(XPC):c.2163G>A (p.Glu721=)

Gene: XPC (XPC complex subunit, DNA damage recognition and repair factor; minus strand). Cytogenetic location: 3p25.1.
Variant type: single nucleotide variant.
Coding change: c.2163G>A on transcript NM_004628.5 (MANE Select); coding-DNA position 2163, G replaced by A.
Protein change: p.Glu721=; no amino-acid change (glutamic acid 721 retained).
Molecular consequence: synonymous variant. On other transcripts: non-coding transcript variant (2).
Genome position (GRCh38, 1-based): chr3:14,148,901, C>T on the plus strand (G>A on the coding strand, the complement: XPC is on the minus strand). VCF-style: chr3-14148901-C-T. GRCh37 (hg19) VCF-style: chr3-14190401-C-T.
Other names: c.1584G>A, p.Glu528= (NM_001354726.2); c.2157G>A, p.Glu719= (NM_001354727.2); c.2145G>A, p.Glu715= (NM_001354729.2); c.1917G>A, p.Glu639= (NM_001354730.2).
Identifiers: ClinVar variation 798962 (VCV000798962.12), dbSNP rs369812952, ClinGen allele CA2267239.